The following is an entry in ClinVar:

NM_004990.4(MARS1):c.2470A>C (p.Thr824Pro)

Gene: MARS1 (methionyl-tRNA synthetase 1; plus strand). Cytogenetic location: 12q13.3.
Variant type: single nucleotide variant.
Coding change: c.2470A>C on transcript NM_004990.4 (MANE Select); coding-DNA position 2470, A replaced by C.
Protein change: p.Thr824Pro; replaces threonine 824 with proline.
Molecular consequence: missense variant.
Genome position (GRCh38, 1-based): chr12:57,516,251, A>C. VCF-style: chr12-57516251-A-C. GRCh37 (hg19) VCF-style: chr12-57910034-A-C.
Other names: short protein forms T824P.
Identifiers: ClinVar variation 542176 (VCV000542176.10), dbSNP rs200404964, ClinGen allele CA6650859.

ClinVar aggregate classification (germline): Uncertain significance. Review status: criteria provided, multiple submitters, no conflicts (2 of 4 stars). 2 submissions from 2 submitters: Uncertain significance (2). Last evaluated 2026-04-11.

Conditions:
Severe early-onset pulmonary alveolar proteinosis due to MARS deficiency. Also called: PULMONARY ALVEOLAR PROTEINOSIS, REUNION ISLAND; Interstitial lung and liver disease. Identifiers: Orphanet 440427, MedGen C4225400, MONDO:0014206, OMIM 615486.
Charcot-Marie-Tooth disease axonal type 2U. Also called: CHARCOT-MARIE-TOOTH NEUROPATHY, TYPE 2U; CHARCOT-MARIE-TOOTH DISEASE, AXONAL, AUTOSOMAL DOMINANT, TYPE 2U. Identifiers: Orphanet 397735, MedGen C4084821, MONDO:0014566, OMIM 616280.

Allele frequency attached by ClinVar (database versions not stated): gnomAD 0.00001 and 0.00003; TOPMed 0.00009; gnomAD exomes 0.00008 and 0.00020; 1000 Genomes Project 30x 0.00031; ExAC 0.00014; 1000 Genomes Project 0.00020.

Submissions (2):

GeneDx
Classification: Uncertain significance. Last evaluated: 2026-04-11. Review status: criteria provided, single submitter. Criteria: GeneDx Variant Classification Process June 2021. Collection method: clinical testing. Allele origin: germline.
Comment: In silico analysis suggests that this missense variant does not alter protein structure/function; Has not been previously published as pathogenic or benign to our knowledge

Labcorp Genetics (formerly Invitae), Labcorp
Classification: Uncertain significance for Charcot-Marie-Tooth disease axonal type 2U; Severe early-onset pulmonary alveolar proteinosis due to MARS deficiency. Last evaluated: 2025-02-06. Review status: criteria provided, single submitter. Criteria: Invitae Variant Classification Sherloc (09022015). Collection method: clinical testing. Allele origin: germline.
Comment: This sequence change replaces threonine, which is neutral and polar, with proline, which is neutral and non-polar, at codon 824 of the MARS protein (p.Thr824Pro). This variant is present in population databases (rs200404964, gnomAD 0.1%). This variant has not been reported in the literature in individuals affected with MARS-related conditions. ClinVar contains an entry for this variant (Variation ID: 542176). An algorithm developed to predict the effect of missense changes on protein structure and function outputs the following: PolyPhen-2: "Benign". The proline amino acid residue is found in multiple mammalian species, which suggests that this missense change does not adversely affect protein function. In summary, the available evidence is currently insufficient to determine the role of this variant in disease. Therefore, it has been classified as a Variant of Uncertain Significance.